The following is an entry in ClinVar:

NM_000939.4(POMC):c.80G>A (p.Trp27Ter)

Gene: POMC (proopiomelanocortin; minus strand). Cytogenetic location: 2p23.3.
Variant type: single nucleotide variant.
Coding change: c.80G>A on transcript NM_000939.4 (MANE Select); coding-DNA position 80, G replaced by A.
Protein change: p.Trp27Ter; replaces tryptophan 27 with a stop codon.
Molecular consequence: nonsense.
Genome position (GRCh38, 1-based): chr2:25,164,693, C>T on the plus strand (G>A on the coding strand, the complement: POMC is on the minus strand). VCF-style: chr2-25164693-C-T. GRCh37 (hg19) VCF-style: chr2-25387562-C-T.
Other names: c.80G>A, p.Trp27Ter (NM_001035256.3, NM_001319204.2, NM_001319205.2); short protein forms W27*.
Identifiers: ClinVar variation 4976176 (VCV004976176.1).

ClinVar aggregate classification (germline): Uncertain significance (1 of 4 stars; one submission).

Submission:

GeneDx
Classification: Uncertain significance. Last evaluated: 2026-02-03. Review status: criteria provided, single submitter. Criteria: GeneDx Variant Classification Process June 2021. Collection method: clinical testing. Allele origin: germline.
Comment: Nonsense variant predicted to result in protein truncation as the last 241 amino acid(s) are lost; Not observed at significant frequency in large population cohorts (gnomAD); Has not been previously published as pathogenic or benign to our knowledge